The following is an entry in ClinVar:

ClinVar aggregate classification (germline): Likely benign. Review status: criteria provided, multiple submitters, no conflicts (2 of 4 stars). 3 submissions from 3 submitters: Likely benign (3). Last evaluated 2025-12-25.

Allele frequency attached by ClinVar (database versions not stated): gnomAD exomes 0.00006 and 0.00003; TOPMed 0.00002; gnomAD 0.00003; ExAC 0.00004.
gnomAD v4.1: 48 of 1,613,610 alleles (0.003%); highest among the groups gnomAD compares: Non-Finnish European, 0.0039%; no homozygotes.

Submissions (3):

Labcorp Genetics (formerly Invitae), Labcorp
Classification: Likely benign. Last evaluated: 2025-12-25. Review status: criteria provided, single submitter. Criteria: Invitae Variant Classification Sherloc (09022015). Collection method: clinical testing. Allele origin: germline.

CeGaT Center for Human Genetics Tuebingen
Classification: Likely benign. Last evaluated: 2025-06-01. Review status: criteria provided, single submitter. Criteria: CeGaT Center For Human Genetics Tuebingen Variant Classification Criteria Version 2. Collection method: clinical testing. Allele origin: germline. Affected: yes. Observed: 1 variant allele.
Comment: SETBP1: BP4, BP7

Blueprint Genetics
Classification: Likely benign. Last evaluated: 2024-10-31. Review status: criteria provided, single submitter. Criteria: ACMG Guidelines, 2015. Collection method: clinical testing. Allele origin: germline.

NM_015559.3(SETBP1):c.3984C>T (p.Asp1328=)

Gene: SETBP1 (SET binding protein 1; plus strand). Cytogenetic location: 18q12.3.
Variant type: single nucleotide variant.
Coding change: c.3984C>T on transcript NM_015559.3 (MANE Select); coding-DNA position 3984, C replaced by T.
Protein change: p.Asp1328=; no amino-acid change (aspartic acid 1328 retained).
Molecular consequence: synonymous variant.
Genome position (GRCh38, 1-based): chr18:44,953,324, C>T. VCF-style: chr18-44953324-C-T. GRCh37 (hg19) VCF-style: chr18-42533289-C-T.
Other names: c.3984C>T, p.Asp1328= (NM_001379141.1, NM_001379142.1).
Identifiers: ClinVar variation 1603634 (VCV001603634.19), dbSNP rs199931480, ClinGen allele CA8946039.